The following is an entry in ClinVar:

ClinVar aggregate classification (germline): Uncertain significance (1 of 4 stars; one submission).

Submission:

GeneDx
Classification: Uncertain significance. Last evaluated: 2025-06-17. Review status: criteria provided, single submitter. Criteria: GeneDx Variant Classification Process June 2021. Collection method: clinical testing. Allele origin: germline. Affected: yes.
Comment: Not observed at significant frequency in large population cohorts (gnomAD); In silico analysis suggests that this missense variant does not alter protein structure/function; Has not been previously published as pathogenic or benign to our knowledge

NM_001079843.3(CASZ1):c.4109C>T (p.Thr1370Ile)

Gene: CASZ1 (castor zinc finger 1; minus strand). Cytogenetic location: 1p36.22.
Variant type: single nucleotide variant.
Coding change: c.4109C>T on transcript NM_001079843.3 (MANE Select); coding-DNA position 4109, C replaced by T.
Protein change: p.Thr1370Ile; replaces threonine 1370 with isoleucine.
Molecular consequence: missense variant.
Genome position (GRCh38, 1-based): chr1:10,642,912, G>A on the plus strand (C>T on the coding strand, the complement: CASZ1 is on the minus strand). VCF-style: chr1-10642912-G-A. GRCh37 (hg19) VCF-style: chr1-10702969-G-A.
Other names: short protein forms T1370I.
Identifiers: ClinVar variation 4538862 (VCV004538862.1).